The following is an entry in ClinVar:

NM_001005242.3(PKP2):c.2355T>C (p.Asp785=)

Gene: PKP2 (plakophilin 2; minus strand). Cytogenetic location: 12p11.21.
Variant type: single nucleotide variant.
Coding change: c.2355T>C on transcript NM_001005242.3 (MANE Select); coding-DNA position 2355, T replaced by C.
Protein change: p.Asp785=; no amino-acid change (aspartic acid 785 retained).
Molecular consequence: synonymous variant.
Genome position (GRCh38, 1-based): chr12:32,796,111, A>G on the plus strand (T>C on the coding strand, the complement: PKP2 is on the minus strand). VCF-style: chr12-32796111-A-G. GRCh37 (hg19) VCF-style: chr12-32949045-A-G.
Other names: p.Asp829=; c.2487T>C, p.Asp829= (NM_004572.4).
Identifiers: ClinVar variation 45069 (VCV000045069.27), dbSNP rs142362933, ClinGen allele CA012071.

ClinVar aggregate classification (germline): Conflicting classifications of pathogenicity. Review status: criteria provided, conflicting classifications (1 of 4 stars). 10 submissions from 10 submitters: Uncertain significance (1); Benign (1); Likely benign (8). Last evaluated 2026-02-24.

Conditions:
PKP2-related disorder. Also called: PKP2-related condition.
Cardiovascular phenotype. Identifiers: MedGen CN230736.
Cardiomyopathy (CMYO). Also called: Cardiomyopathies. Identifiers: Orphanet 167848, MedGen C0878544, MONDO:0004994, HP:0001638. Inheritance: Various modes of inheritance.
Arrhythmogenic right ventricular dysplasia 9 (ARVD9). Also called: Arrhythmogenic Right Ventricular Dysplasia/Cardiomyopathy 9; ARRHYTHMOGENIC RIGHT VENTRICULAR DYSPLASIA, FAMILIAL, 9. Identifiers: MedGen C1836906, MONDO:0012180, OMIM 609040.

Allele frequency attached by ClinVar (database versions not stated): ExAC 0.00009; gnomAD exomes 0.00014 and 0.00008; 1000 Genomes Project 30x 0.00016; 1000 Genomes Project 0.00020; ESP Exome Variant Server 0.00031; gnomAD 0.00032 and 0.00034; TOPMed 0.00043.
gnomAD v4.1: 169 of 1,613,662 alleles (0.01%); highest among the groups gnomAD compares: Middle Eastern, 0.12%; no homozygotes.

Submissions (10):

PreventionGenetics, part of Exact Sciences
Classification: Likely benign for PKP2-related condition. Last evaluated: 2026-02-24. Review status: criteria provided, single submitter. Criteria: ACMG Guidelines, 2015. Collection method: clinical testing. Allele origin: germline.
Comment: This variant is classified as likely benign based on ACMG/AMP sequence variant interpretation guidelines (Richards et al. 2015 PMID: 25741868, with internal and published modifications).

Labcorp Genetics (formerly Invitae), Labcorp
Classification: Likely benign for Arrhythmogenic right ventricular dysplasia 9. Last evaluated: 2026-01-19. Review status: criteria provided, single submitter. Criteria: Invitae Variant Classification Sherloc (09022015). Collection method: clinical testing. Allele origin: germline.

Women's Health and Genetics/Laboratory Corporation of America, LabCorp
Classification: Uncertain significance. Last evaluated: 2025-03-07. Review status: criteria provided, single submitter. Criteria: LabCorp Variant Classification Summary - May 2015. Collection method: clinical testing. Allele origin: germline.

Mayo Clinic Laboratories, Mayo Clinic
Classification: Likely benign. Last evaluated: 2025-02-13. Review status: criteria provided, single submitter. Criteria: ACMG Guidelines, 2015. Collection method: clinical testing. Allele origin: germline. Observed: 1 variant allele.
Comment: BS1, BP4, BP7

Blueprint Genetics
Classification: Likely benign. Last evaluated: 2023-11-23. Review status: criteria provided, single submitter. Criteria: ACMG Guidelines, 2015. Collection method: clinical testing. Allele origin: germline.

Ambry Genetics
Classification: Likely benign for Cardiovascular phenotype. Last evaluated: 2019-05-02. Review status: criteria provided, single submitter. Criteria: Ambry Variant Classification Scheme 2023. Collection method: clinical testing. Allele origin: germline.

Color Diagnostics, LLC DBA Color Health
Classification: Likely benign for Cardiomyopathy. Last evaluated: 2018-10-18. Review status: criteria provided, single submitter. Criteria: ACMG Guidelines, 2015. Collection method: clinical testing. Allele origin: germline.

GeneDx
Classification: Benign. Last evaluated: 2015-03-03. Review status: criteria provided, single submitter. Criteria: GeneDx Variant Classification Process June 2021. Collection method: clinical testing. Allele origin: germline. Affected: yes.

Laboratory for Molecular Medicine, Mass General Brigham Personalized Medicine
Classification: Likely benign. Last evaluated: 2012-05-22. Review status: criteria provided, single submitter. Criteria: LMM Criteria. Collection method: clinical testing. Allele origin: germline. Observed: 1 variant allele.
Comment: Asp829Asp in exon 12 of PKP2: This variant is not expected to have clinical sign ificance because it does not alter an amino acid residue and is not located with in the splice consensus sequence. It has been identified in 2/7020 European Amer ican chromosomes and 2/3738 African American chromosomes from a broad population by the NHLBI Exome Sequencing Project (dbSNP rs142362933). Asp829Asp in exon 12 of PKP2 (rs142362933; allele frequency = 2/3 738) **

Breakthrough Genomics
Classification: Likely benign. Review status: criteria provided, single submitter. Criteria: ACMG Guidelines, 2015. Collection method: not provided. Allele origin: germline. Inheritance: Autosomal dominant inheritance. Affected: yes.